The following is an entry in ClinVar:

NM_182914.3(SYNE2):c.39G>T (p.Gln13His)

Gene: SYNE2 (spectrin repeat containing nuclear envelope protein 2; plus strand). Cytogenetic location: 14q23.2.
Variant type: single nucleotide variant.
Coding change: c.39G>T on transcript NM_182914.3 (MANE Select); coding-DNA position 39, G replaced by T.
Protein change: p.Gln13His; replaces glutamine 13 with histidine.
Molecular consequence: missense variant.
Genome position (GRCh38, 1-based): chr14:63,909,187, G>T. VCF-style: chr14-63909187-G-T. GRCh37 (hg19) VCF-style: chr14-64375905-G-T.
Other names: c.39G>T, p.Gln13His (NM_015180.6); short protein forms Q13H.
Identifiers: ClinVar variation 1492656 (VCV001492656.8), dbSNP rs1187262903, ClinGen allele CA389934745.

ClinVar aggregate classification (germline): Uncertain significance (1 of 4 stars; one submission).

Conditions:
Emery-Dreifuss muscular dystrophy 5, autosomal dominant (EDMD5). Also called: EMERY-DREIFUSS MUSCULAR DYSTROPHY 5. Identifiers: Orphanet 261, MedGen C2751805, MONDO:0013072, OMIM 612999.

Submission:

Labcorp Genetics (formerly Invitae), Labcorp
Classification: Uncertain significance for Emery-Dreifuss muscular dystrophy 5, autosomal dominant. Last evaluated: 2023-07-17. Review status: criteria provided, single submitter. Criteria: Invitae Variant Classification Sherloc (09022015). Collection method: clinical testing. Allele origin: germline.
Comment: In summary, the available evidence is currently insufficient to determine the role of this variant in disease. Therefore, it has been classified as a Variant of Uncertain Significance. An algorithm developed to predict the effect of missense changes on protein structure and function (PolyPhen-2) suggests that this variant is likely to be tolerated. ClinVar contains an entry for this variant (Variation ID: 1492656). This variant has not been reported in the literature in individuals affected with SYNE2-related conditions. This variant is not present in population databases (gnomAD no frequency). This sequence change replaces glutamine, which is neutral and polar, with histidine, which is basic and polar, at codon 13 of the SYNE2 protein (p.Gln13His).